The following is an entry in ClinVar:

NM_001194998.2(CEP152):c.3997A>G (p.Lys1333Glu)

Gene: CEP152 (centrosomal protein 152; minus strand). Cytogenetic location: 15q21.1.
Variant type: single nucleotide variant.
Coding change: c.3997A>G on transcript NM_001194998.2 (MANE Select); coding-DNA position 3997, A replaced by G.
Protein change: p.Lys1333Glu; replaces lysine 1333 with glutamic acid.
Molecular consequence: missense variant.
Genome position (GRCh38, 1-based): chr15:48,741,697, T>C on the plus strand (A>G on the coding strand, the complement: CEP152 is on the minus strand). VCF-style: chr15-48741697-T-C. GRCh37 (hg19) VCF-style: chr15-49033894-T-C.
Other names: c.3829A>G, p.Lys1277Glu (NM_014985.4); c.3829A>G (NM_014985.3); short protein forms K1277E, K1333E.
Identifiers: ClinVar variation 2057595 (VCV002057595.2), dbSNP rs764526265, ClinGen allele CA7548202.

ClinVar aggregate classification (germline): Uncertain significance. Review status: criteria provided, multiple submitters, no conflicts (2 of 4 stars). 2 submissions from 2 submitters: Uncertain significance (2). Last evaluated 2024-04-09.

Conditions:
Inborn genetic diseases. Identifiers: MedGen C0950123, MeSH D030342.

Allele frequency attached by ClinVar (database versions not stated): gnomAD exomes below 0.00001; ExAC 0.00001; TOPMed 0.00001.

Submissions (2):

Ambry Genetics
Classification: Uncertain significance for Inborn genetic diseases. Last evaluated: 2024-04-09. Review status: criteria provided, single submitter. Criteria: Ambry Variant Classification Scheme 2023. Collection method: clinical testing. Allele origin: germline.

Labcorp Genetics (formerly Invitae), Labcorp
Classification: Uncertain significance. Last evaluated: 2021-12-24. Review status: criteria provided, single submitter. Criteria: Invitae Variant Classification Sherloc (09022015). Collection method: clinical testing. Allele origin: germline.
Comment: This sequence change replaces lysine, which is basic and polar, with glutamic acid, which is acidic and polar, at codon 1277 of the CEP152 protein (p.Lys1277Glu). This variant is present in population databases (rs764526265, gnomAD 0.006%). This variant has not been reported in the literature in individuals affected with CEP152-related conditions. Algorithms developed to predict the effect of missense changes on protein structure and function are either unavailable or do not agree on the potential impact of this missense change (SIFT: "Deleterious"; PolyPhen-2: "Probably Damaging"; Align-GVGD: "Class C0"). In summary, the available evidence is currently insufficient to determine the role of this variant in disease. Therefore, it has been classified as a Variant of Uncertain Significance.